The following is an entry in ClinVar:

NM_206937.2(LIG4):c.1026del (p.Phe342fs)

Gene: LIG4 (DNA ligase 4; minus strand). Cytogenetic location: 13q33.3.
Variant type: Deletion.
Coding change: c.1026del on transcript NM_206937.2 (MANE Select); coding-DNA position 1026, one base deleted (C; older notation c.1026delC).
Protein change: p.Phe342fs; shifts the reading frame from phenylalanine 342.
Molecular consequence: frameshift variant.
Genome position (GRCh38, 1-based): chr13:108,210,243, G deleted on the plus strand (C on the coding strand, the reverse complement: LIG4 is on the minus strand). VCF-style (leftmost placement, unchanged base first): chr13-108210242-TG-T. GRCh37 (hg19) VCF-style: chr13-108862590-TG-T.
Other names: c.1026del, p.Phe342fs (NM_001098268.2, NM_001352598.2, NM_001352599.2 and 6 more transcripts); c.825del, p.Phe275fs (NM_001330595.2); c.1062del, p.Phe354fs (NM_001352604.2); short protein forms F354fs, F275fs, F342fs.
Identifiers: ClinVar variation 2859019 (VCV002859019.3), dbSNP rs2501610215, ClinGen allele CA484975419.

ClinVar aggregate classification (germline): Pathogenic (1 of 4 stars; one submission).

Conditions:
DNA ligase IV deficiency. Identifiers: Orphanet 99812, MedGen C1847827, MONDO:0011686, OMIM 606593.

Allele frequency attached by ClinVar (database versions not stated): gnomAD exomes below 0.00001.

Submission:

Labcorp Genetics (formerly Invitae), Labcorp
Classification: Pathogenic for DNA ligase IV deficiency. Last evaluated: 2025-08-09. Review status: criteria provided, single submitter. Criteria: Invitae Variant Classification Sherloc (09022015). Collection method: clinical testing. Allele origin: germline.
Comment: This sequence change creates a premature translational stop signal (p.Phe342Leufs*14) in the LIG4 gene. While this is not anticipated to result in nonsense mediated decay, it is expected to disrupt the last 570 amino acid(s) of the LIG4 protein. This variant is not present in population databases (gnomAD no frequency). This variant has not been reported in the literature in individuals affected with LIG4-related conditions. ClinVar contains an entry for this variant (Variation ID: 2859019). This variant disrupts a region of the LIG4 protein in which other variant(s) (p.Arg814*) have been determined to be pathogenic (PMID: 11779494, 16088910, 24123394, 25239263). This suggests that this is a clinically significant region of the protein, and that variants that disrupt it are likely to be disease-causing. For these reasons, this variant has been classified as Pathogenic.

Literature cited by the submitters: PubMed 11779494; PubMed 16088910; PubMed 24123394; PubMed 25239263.